The following is an entry in ClinVar:

NM_002334.4(LRP4):c.300G>A (p.Ser100=)

Gene: LRP4 (LDL receptor related protein 4; minus strand). Cytogenetic location: 11p11.2.
Variant type: single nucleotide variant.
Coding change: c.300G>A on transcript NM_002334.4 (MANE Select); coding-DNA position 300, G replaced by A.
Protein change: p.Ser100=; no amino-acid change (serine 100 retained).
Molecular consequence: synonymous variant.
Genome position (GRCh38, 1-based): chr11:46,900,278, C>T on the plus strand (G>A on the coding strand, the complement: LRP4 is on the minus strand). VCF-style: chr11-46900278-C-T. GRCh37 (hg19) VCF-style: chr11-46921829-C-T.
Other names: p.Ser100=.
Identifiers: ClinVar variation 304902 (VCV000304902.17), dbSNP rs61745166, ClinGen allele CA5970555.

ClinVar aggregate classification (germline): Benign. Review status: criteria provided, multiple submitters, no conflicts (2 of 4 stars). 3 submissions from 3 submitters: Benign (3). Last evaluated 2026-01-19.

Conditions:
Cenani-Lenz syndactyly syndrome. Also called: CENANI SYNDACTYLISM; SYNDACTYLY, TYPE VII. Identifiers: Orphanet 3258, MedGen C1859309, MONDO:0008931, OMIM 212780.
Congenital myasthenic syndrome 17. Identifiers: Orphanet 590, MedGen C4225377, MONDO:0014578, OMIM 616304.
Sclerosteosis 2 (SOST2). Identifiers: Orphanet 3152, MedGen C3280402, MONDO:0013679, OMIM 614305.

Allele frequency attached by ClinVar (database versions not stated): gnomAD exomes 0.00058 and 0.00133; ExAC 0.00180; gnomAD 0.00459; ESP Exome Variant Server 0.00577; TOPMed 0.00608; 1000 Genomes Project 0.00739; 1000 Genomes Project 30x 0.00781.
gnomAD v4.1: 1,640 of 1,613,816 alleles (0.1%); highest among the groups gnomAD compares: African/African-American, 1.7%; 16 homozygotes.

Submissions (3):

Labcorp Genetics (formerly Invitae), Labcorp
Classification: Benign for Cenani-Lenz syndactyly syndrome; Sclerosteosis 2; Congenital myasthenic syndrome 17. Last evaluated: 2026-01-19. Review status: criteria provided, single submitter. Criteria: Invitae Variant Classification Sherloc (09022015). Collection method: clinical testing. Allele origin: germline.

Mayo Clinic Laboratories, Mayo Clinic
Classification: Benign. Last evaluated: 2023-11-01. Review status: criteria provided, single submitter. Criteria: ACMG Guidelines, 2015. Collection method: clinical testing. Allele origin: germline. Observed: 3 variant alleles.
Comment: BA1, BP4, BP7

Illumina Laboratory Services, Illumina
Classification: Benign for Cenani-Lenz syndactyly syndrome. Last evaluated: 2018-01-13. Review status: criteria provided, single submitter. Criteria: ICSL Variant Classification Criteria 13 December 2019. Collection method: clinical testing. Allele origin: germline.
Comment: This variant was observed in the ICSL laboratory as part of a predisposition screen in an ostensibly healthy population. It had not been previously curated by ICSL or reported in the Human Gene Mutation Database (HGMD: prior to June 1st, 2018), and was therefore a candidate for classification through an automated scoring system. Utilizing variant allele frequency, disease prevalence and penetrance estimates, and inheritance mode, an automated score was calculated to assess if this variant is too frequent to cause the disease. Based on the score and internal cut-off values, a variant classified as benign is not then subjected to further curation. The score for this variant resulted in a classification of benign for this disease.